The following is an entry in ClinVar:

ClinVar aggregate classification (germline): Uncertain significance (1 of 4 stars; one submission).

Allele frequency attached by ClinVar (database versions not stated): gnomAD exomes below 0.00001.

Submission:

Labcorp Genetics (formerly Invitae), Labcorp
Classification: Uncertain significance. Last evaluated: 2023-07-26. Review status: criteria provided, single submitter. Criteria: Invitae Variant Classification Sherloc (09022015). Collection method: clinical testing. Allele origin: germline.
Comment: In summary, the available evidence is currently insufficient to determine the role of this variant in disease. Therefore, it has been classified as a Variant of Uncertain Significance. Experimental studies and prediction algorithms are not available or were not evaluated, and the functional significance of this variant is currently unknown. This variant has not been reported in the literature in individuals affected with TNFRSF11A-related conditions. This variant is not present in population databases (gnomAD no frequency). This sequence change results in a frameshift in the TNFRSF11A gene (p.Glu596Argfs*80). While this is not anticipated to result in nonsense mediated decay, it is expected to disrupt the last 21 amino acid(s) of the TNFRSF11A protein and extend the protein by 58 additional amino acid residues.

NM_003839.4(TNFRSF11A):c.1786del (p.Glu596fs)

Gene: TNFRSF11A (TNF receptor superfamily member 11a; plus strand). Cytogenetic location: 18q21.33.
Variant type: Deletion.
Coding change: c.1786del on transcript NM_003839.4 (MANE Select); coding-DNA position 1786, one base deleted (G; older notation c.1786delG).
Protein change: p.Glu596fs; shifts the reading frame from glutamic acid 596.
Molecular consequence: frameshift variant. On other transcripts: 3 prime UTR variant (1).
Genome position (GRCh38, 1-based): chr18:62,384,969, G deleted. VCF-style (leftmost placement, unchanged base first): chr18-62384968-CG-C. GRCh37 (hg19) VCF-style: chr18-60052201-CG-C.
Other names: c.*210del (NM_001270949.2); c.949del, p.Glu317fs (NM_001270950.2); c.835del, p.Glu279fs (NM_001270951.2); c.1744del, p.Glu582fs (NM_001278268.2); short protein forms E279fs, E317fs, E582fs, E596fs.
Identifiers: ClinVar variation 2747266 (VCV002747266.3), dbSNP rs2511621669, ClinGen allele CA2642069677.